The following is an entry in ClinVar:

ClinVar aggregate classification (germline): Uncertain significance (1 of 4 stars; one submission).

Conditions:
Hereditary nonpolyposis colorectal neoplasms. Identifiers: MedGen C0009405, MeSH D003123.

gnomAD v4.1: 10 of 1,613,982 alleles (0.00062%); highest among the groups gnomAD compares: Non-Finnish European, 0.00085%; no homozygotes.

Submission:

Labcorp Genetics (formerly Invitae), Labcorp
Classification: Uncertain significance for Hereditary nonpolyposis colorectal neoplasms. Last evaluated: 2022-10-23. Review status: criteria provided, single submitter. Criteria: Invitae Variant Classification Sherloc (09022015). Collection method: clinical testing. Allele origin: germline.
Comment: In summary, the available evidence is currently insufficient to determine the role of this variant in disease. Therefore, it has been classified as a Variant of Uncertain Significance. Advanced modeling of protein sequence and biophysical properties (such as structural, functional, and spatial information, amino acid conservation, physicochemical variation, residue mobility, and thermodynamic stability) has been performed at Invitae for this missense variant, however the output from this modeling did not meet the statistical confidence thresholds required to predict the impact of this variant on MSH6 protein function. This variant has not been reported in the literature in individuals affected with MSH6-related conditions. This variant is not present in population databases (gnomAD no frequency). This sequence change replaces leucine, which is neutral and non-polar, with phenylalanine, which is neutral and non-polar, at codon 798 of the MSH6 protein (p.Leu798Phe).

NM_000179.3(MSH6):c.2392C>T (p.Leu798Phe)

Gene: MSH6 (mutS homolog 6; plus strand). Cytogenetic location: 2p16.3.
Variant type: single nucleotide variant.
Coding change: c.2392C>T on transcript NM_000179.3 (MANE Select); coding-DNA position 2392, C replaced by T.
Protein change: p.Leu798Phe; replaces leucine 798 with phenylalanine.
Molecular consequence: missense variant.
Genome position (GRCh38, 1-based): chr2:47,800,375, C>T. VCF-style: chr2-47800375-C-T. GRCh37 (hg19) VCF-style: chr2-48027514-C-T.
Other names: c.2002C>T, p.Leu668Phe (NM_001281492.2); c.1486C>T, p.Leu496Phe (NM_001281493.2, NM_001281494.2, NM_001406823.1 and 6 more transcripts); c.2488C>T, p.Leu830Phe (NM_001406795.1, NM_001406802.1); c.2392C>T, p.Leu798Phe (NM_001406796.1, NM_001406798.1, NM_001406800.1 and 2 more transcripts); c.2095C>T, p.Leu699Phe (NM_001406797.1, NM_001406801.1, NM_001406805.1 and 10 more transcripts); c.1867C>T, p.Leu623Phe (NM_001406799.1, NM_001406806.1, NM_001406807.1); c.2314C>T, p.Leu772Phe (NM_001406804.1); c.2224C>T, p.Leu742Phe (NM_001406826.1); and 1 more; short protein forms L496F, L623F, L668F, L699F, L742F, L772F, L798F, L800F.
Identifiers: ClinVar variation 1714947 (VCV001714947.6), dbSNP rs587779238, ClinGen allele CA346753853.